The following is an entry in ClinVar:

ClinVar aggregate classification (germline): Uncertain significance (1 of 4 stars; one submission).

Conditions:
MHC class II deficiency. Also called: Bare lymphocyte syndrome 2; BLS, TYPE II. Identifiers: Orphanet 572, MedGen C5447452, MONDO:0008855.

Allele frequency attached by ClinVar (database versions not stated): gnomAD exomes below 0.00001; gnomAD 0.00001; TOPMed 0.00001; ESP Exome Variant Server 0.00008.
gnomAD v4.1: 4 of 1,614,008 alleles (0.00025%); highest among the groups gnomAD compares: Non-Finnish European, 0.00034%; no homozygotes.

Submission:

Labcorp Genetics (formerly Invitae), Labcorp
Classification: Uncertain significance for MHC class II deficiency. Last evaluated: 2022-08-09. Review status: criteria provided, single submitter. Criteria: Invitae Variant Classification Sherloc (09022015). Collection method: clinical testing. Allele origin: germline.
Comment: In summary, the available evidence is currently insufficient to determine the role of this variant in disease. Therefore, it has been classified as a Variant of Uncertain Significance. Algorithms developed to predict the effect of missense changes on protein structure and function (SIFT, PolyPhen-2, Align-GVGD) all suggest that this variant is likely to be tolerated. ClinVar contains an entry for this variant (Variation ID: 1364375). This variant has not been reported in the literature in individuals affected with RFX5-related conditions. This variant is not present in population databases (gnomAD no frequency). This sequence change replaces asparagine, which is neutral and polar, with aspartic acid, which is acidic and polar, at codon 86 of the RFX5 protein (p.Asn86Asp).

NM_001025603.2(RFX5):c.256A>G (p.Asn86Asp)

Gene: RFX5 (regulatory factor X5; minus strand). Cytogenetic location: 1q21.3.
Variant type: single nucleotide variant.
Coding change: c.256A>G on transcript NM_001025603.2 (MANE Select); coding-DNA position 256, A replaced by G.
Protein change: p.Asn86Asp; replaces asparagine 86 with aspartic acid.
Molecular consequence: missense variant. On other transcripts: intron variant (2).
Genome position (GRCh38, 1-based): chr1:151,344,825, T>C on the plus strand (A>G on the coding strand, the complement: RFX5 is on the minus strand). VCF-style: chr1-151344825-T-C. GRCh37 (hg19) VCF-style: chr1-151317301-T-C.
Other names: c.256A>G, p.Asn86Asp (NM_000449.4, NM_001379412.1, NM_001379413.1 and 5 more transcripts); c.233+281A>G (NM_001379419.1, NM_001379420.1); short protein forms N86D.
Identifiers: ClinVar variation 1364375 (VCV001364375.7), dbSNP rs140430054, ClinGen allele CA29560061.
Genomic context (GRCh38, chr1:151,344,825, plus strand): 5'-TGTCAGTGTGCTCTTCCAGGTGGTTGCGGATCCACCTATAGGCATACATGTACTCCTCAT[T>C]GCTCAGTGTACTTGGCTCTGAGCTACAGAAACAAAAGGAACAAGCATTACTAAGACCCTA-3'
Protein context (NP_001020774.1, residues 76-96): DKSSEPSTLS[Asn86Asp]EEYMYAYRWI